The following is an entry in ClinVar:

NM_004320.6(ATP2A1):c.2710C>G (p.Leu904Val)

Gene: ATP2A1 (ATPase sarcoplasmic/endoplasmic reticulum Ca2+ transporting 1; plus strand). Cytogenetic location: 16p11.2.
Variant type: single nucleotide variant.
Coding change: c.2710C>G on transcript NM_004320.6 (MANE Select); coding-DNA position 2710, C replaced by G.
Protein change: p.Leu904Val; replaces leucine 904 with valine.
Molecular consequence: missense variant.
Genome position (GRCh38, 1-based): chr16:28,902,877, C>G. VCF-style: chr16-28902877-C-G. GRCh37 (hg19) VCF-style: chr16-28914198-C-G.
Other names: p.Leu904Val; c.2710C>G (NM_173201.4); c.2335C>G, p.Leu779Val (NM_001286075.2); c.2710C>G, p.Leu904Val (NM_173201.5); short protein forms L904V, L779V.
Identifiers: ClinVar variation 851255 (VCV000851255.12), dbSNP rs772242880, ClinGen allele CA7987358.

ClinVar aggregate classification (germline): Uncertain significance. Review status: criteria provided, multiple submitters, no conflicts (2 of 4 stars). 4 submissions from 4 submitters: Uncertain significance (4). Last evaluated 2025-08-18.

Conditions:
Brody myopathy. Also called: BRODY DISEASE. Identifiers: Orphanet 53347, MedGen C1832918, MONDO:0010977, OMIM 601003.

Allele frequency attached by ClinVar (database versions not stated): gnomAD exomes below 0.00001; ExAC 0.00001; gnomAD 0.00002; TOPMed 0.00003.
gnomAD v4.1: 8 of 1,613,918 alleles (0.0005%); highest among the groups gnomAD compares: African/African-American, 0.0093%; no homozygotes.

Submissions (4):

Mayo Clinic Laboratories, Mayo Clinic
Classification: Uncertain significance. Last evaluated: 2025-08-18. Review status: criteria provided, single submitter. Criteria: ACMG Guidelines, 2015. Collection method: clinical testing. Allele origin: germline. Observed: 1 variant allele.
Comment: PP3_moderate, PM2_supporting

Labcorp Genetics (formerly Invitae), Labcorp
Classification: Uncertain significance for Brody myopathy. Last evaluated: 2021-08-30. Review status: criteria provided, single submitter. Criteria: Invitae Variant Classification Sherloc (09022015). Collection method: clinical testing. Allele origin: germline.
Comment: This sequence change replaces leucine with valine at codon 904 of the ATP2A1 protein (p.Leu904Val). The leucine residue is highly conserved and there is a small physicochemical difference between leucine and valine. This variant is present in population databases (rs772242880, ExAC 0.01%). This variant has not been reported in the literature in individuals affected with ATP2A1-related conditions. ClinVar contains an entry for this variant (Variation ID: 851255). Algorithms developed to predict the effect of missense changes on protein structure and function are either unavailable or do not agree on the potential impact of this missense change (SIFT: "Deleterious"; PolyPhen-2: "Probably Damaging"; Align-GVGD: "Class C0"). In summary, the available evidence is currently insufficient to determine the role of this variant in disease. Therefore, it has been classified as a Variant of Uncertain Significance.

GeneDx
Classification: Uncertain significance. Last evaluated: 2019-12-02. Review status: criteria provided, single submitter. Criteria: GeneDx Variant Classification Process June 2021. Collection method: clinical testing. Allele origin: germline. Affected: yes.
Comment: Has not been previously published as pathogenic or benign to our knowledge; Not observed at a significant frequency in large population cohorts (Lek et al., 2016); In silico analysis, which includes protein predictors and evolutionary conservation, supports a deleterious effect

Revvity Omics, Revvity
Classification: Uncertain significance for Brody myopathy. Last evaluated: 2019-01-09. Review status: criteria provided, single submitter. Criteria: ACMG Guidelines, 2015. Collection method: clinical testing. Allele origin: germline.